The following is an entry in ClinVar:

ClinVar aggregate classification (germline): Uncertain significance (1 of 4 stars; one submission).

Conditions:
Carney complex, type 1 (CNC1). Also called: CARNEY MYXOMA-ENDOCRINE COMPLEX; CARNEY COMPLEX, TYPE I. Identifiers: Orphanet 1359, MedGen C2607929, MONDO:0008057, OMIM 160980.

Submission:

Labcorp Genetics (formerly Invitae), Labcorp
Classification: Uncertain significance for Carney complex, type 1. Last evaluated: 2022-03-24. Review status: criteria provided, single submitter. Criteria: Invitae Variant Classification Sherloc (09022015). Collection method: clinical testing. Allele origin: germline.
Comment: In summary, the available evidence is currently insufficient to determine the role of this variant in disease. Therefore, it has been classified as a Variant of Uncertain Significance. Algorithms developed to predict the effect of missense changes on protein structure and function (SIFT, PolyPhen-2, Align-GVGD) all suggest that this variant is likely to be tolerated. This variant has not been reported in the literature in individuals affected with PRKAR1A-related conditions. This sequence change replaces glycine, which is neutral and non-polar, with cysteine, which is neutral and slightly polar, at codon 4 of the PRKAR1A protein (p.Gly4Cys). This variant is not present in population databases (gnomAD no frequency).

NM_002734.5(PRKAR1A):c.10G>T (p.Gly4Cys)

Gene: PRKAR1A (protein kinase cAMP-dependent type I regulatory subunit alpha; plus strand). Cytogenetic location: 17q24.2.
Variant type: single nucleotide variant.
Coding change: c.10G>T on transcript NM_002734.5 (MANE Select); coding-DNA position 10, G replaced by T.
Protein change: p.Gly4Cys; replaces glycine 4 with cysteine.
Molecular consequence: missense variant.
Genome position (GRCh38, 1-based): chr17:68,515,409, G>T. VCF-style: chr17-68515409-G-T. GRCh37 (hg19) VCF-style: chr17-66511550-G-T.
Other names: c.10G>T, p.Gly4Cys (NM_001276289.2, NM_001276290.1, NM_001278433.2 and 4 more transcripts); short protein forms G4C.
Identifiers: ClinVar variation 2116418 (VCV002116418.3), dbSNP rs2143148487, ClinGen allele CA400751775.